The following is an entry in ClinVar:

ClinVar aggregate classification (germline): Likely pathogenic (1 of 4 stars; one submission).

Allele frequency attached by ClinVar (database versions not stated): gnomAD exomes below 0.00001.
gnomAD v4.1: 1 of 1,602,340 alleles (0.000062%); no homozygotes.

Submission:

Mayo Clinic Laboratories, Mayo Clinic
Classification: Likely pathogenic. Last evaluated: 2023-04-13. Review status: criteria provided, single submitter. Criteria: ACMG Guidelines, 2015. Collection method: clinical testing. Allele origin: germline. Observed: 1 variant allele.
Comment: PM2, PVS1

NM_033305.3(VPS13A):c.882+2T>G

Gene: VPS13A (vacuolar protein sorting 13 homolog A; plus strand). Cytogenetic location: 9q21.2.
Variant type: single nucleotide variant.
Coding change: c.882+2T>G on transcript NM_033305.3 (MANE Select); the canonical splice donor site of the intron after coding-DNA position 882, T replaced by G.
Molecular consequence: splice donor variant.
Genome position (GRCh38, 1-based): chr9:77,220,083, T>G. VCF-style: chr9-77220083-T-G. GRCh37 (hg19) VCF-style: chr9-79834999-T-G.
Other names: c.882+2T>G (NM_001018037.2, NM_015186.4, NM_001018038.3).
Identifiers: ClinVar variation 2682895 (VCV002682895.1), dbSNP rs1219455303, ClinGen allele CA373843299.